The following is an entry in ClinVar:

ClinVar aggregate classification (germline): Uncertain significance (1 of 4 stars; one submission).

Conditions:
Hypertrophic cardiomyopathy 26. Also called: Cardiomyopathy, familial hypertrophic, 26. Identifiers: Orphanet 75249, MedGen C4310749, MONDO:0014883, OMIM 617047.
Myofibrillar myopathy 5. Also called: Filaminopathy (type); FILAMINOPATHY, AUTOSOMAL DOMINANT. Identifiers: Orphanet 171445, MedGen C1836050, MONDO:0012289, OMIM 609524.
Distal myopathy with posterior leg and anterior hand involvement. Also called: WILLIAMS DISTAL MYOPATHY. Identifiers: Orphanet 63273, MedGen C3279722, MONDO:0013550, OMIM 614065.

gnomAD v4.1: 1 of 1,614,076 alleles (0.000062%); no homozygotes.

Submission:

Labcorp Genetics (formerly Invitae), Labcorp
Classification: Uncertain significance for Distal myopathy with posterior leg and anterior hand involvement; Myofibrillar myopathy 5; Hypertrophic cardiomyopathy 26. Last evaluated: 2025-06-29. Review status: criteria provided, single submitter. Criteria: Invitae Variant Classification Sherloc (09022015). Collection method: clinical testing. Allele origin: germline.
Comment: This sequence change replaces lysine, which is basic and polar, with arginine, which is basic and polar, at codon 261 of the FLNC protein (p.Lys261Arg). This variant is present in population databases (rs370330345, gnomAD 0.0009%). This variant has not been reported in the literature in individuals affected with FLNC-related conditions. Invitae Evidence Modeling of protein sequence and biophysical properties (such as structural, functional, and spatial information, amino acid conservation, physicochemical variation, residue mobility, and thermodynamic stability) has been performed for this missense variant. However, the output from this modeling did not meet the statistical confidence thresholds required to predict the impact of this variant on FLNC protein function. In summary, the available evidence is currently insufficient to determine the role of this variant in disease. Therefore, it has been classified as a Variant of Uncertain Significance.

NM_001458.5(FLNC):c.782A>G (p.Lys261Arg)

Gene: FLNC (filamin C; plus strand). Cytogenetic location: 7q32.1.
Variant type: single nucleotide variant.
Coding change: c.782A>G on transcript NM_001458.5 (MANE Select); coding-DNA position 782, A replaced by G.
Protein change: p.Lys261Arg; replaces lysine 261 with arginine.
Molecular consequence: missense variant.
Genome position (GRCh38, 1-based): chr7:128,837,480, A>G. VCF-style: chr7-128837480-A-G. GRCh37 (hg19) VCF-style: chr7-128477534-A-G.
Other names: c.782A>G, p.Lys261Arg (NM_001127487.2); short protein forms K261R.
Identifiers: ClinVar variation 4812632 (VCV004812632.1).